The following is an entry in ClinVar:

ClinVar aggregate classification (germline): Uncertain significance (1 of 4 stars; one submission).

Submission:

GeneDx
Classification: Uncertain significance. Last evaluated: 2025-08-04. Review status: criteria provided, single submitter. Criteria: GeneDx Variant Classification Process June 2021. Collection method: clinical testing. Allele origin: germline. Affected: yes.
Comment: Not observed at significant frequency in large population cohorts (gnomAD); In silico analysis supports that this missense variant has a deleterious effect on protein structure/function; Has not been previously published as pathogenic or benign to our knowledge

NM_001287491.2(TET3):c.520T>G (p.Trp174Gly)

Gene: TET3 (tet methylcytosine dioxygenase 3; plus strand). Cytogenetic location: 2p13.1.
Variant type: single nucleotide variant.
Coding change: c.520T>G on transcript NM_001287491.2 (MANE Select); coding-DNA position 520, T replaced by G.
Protein change: p.Trp174Gly; replaces tryptophan 174 with glycine.
Molecular consequence: missense variant.
Genome position (GRCh38, 1-based): chr2:74,046,437, T>G. VCF-style: chr2-74046437-T-G. GRCh37 (hg19) VCF-style: chr2-74273564-T-G.
Other names: c.241T>G, p.Trp81Gly (NM_001366022.1); short protein forms W174G, W81G.
Identifiers: ClinVar variation 4755947 (VCV004755947.1).